The following is an entry in ClinVar:

NM_022455.5(NSD1):c.8034del (p.Pro2679fs)

Gene: NSD1 (nuclear receptor binding SET domain protein 1; plus strand). Cytogenetic location: 5q35.3.
Variant type: Deletion.
Coding change: c.8034del on transcript NM_022455.5 (MANE Select); coding-DNA position 8034, one base deleted (T; older notation c.8034delT).
Protein change: p.Pro2679fs; shifts the reading frame from proline 2679.
Molecular consequence: frameshift variant.
Genome position (GRCh38, 1-based): chr5:177,295,402, T deleted; the last of 2 consecutive T bases (chr5:177,295,401-177,295,402); deleting either gives the same sequence. VCF-style (leftmost placement, unchanged base first): chr5-177295400-CT-C. GRCh37 (hg19) VCF-style: chr5-176722401-CT-C.
Other names: c.7161delT, p.Pro2388Glnfs (NM_001365684.2, NM_001409308.1, NM_172349.5); c.8034delT, p.Pro2679Glnfs (NM_001409301.1, NM_001409302.1, NM_001409303.1); c.7614delT, p.Pro2539Glnfs (NM_001409304.1); c.7281delT, p.Pro2428Glnfs (NM_001409305.1); c.7272delT, p.Pro2425Glnfs (NM_001409306.1, NM_001409307.1); c.6912delT, p.Pro2305Glnfs (NM_001409309.1); short protein forms P2410fs, P2679fs.
Identifiers: ClinVar variation 419672 (VCV000419672.2), dbSNP rs1064794033, ClinGen allele CA16618187.

ClinVar aggregate classification (germline): Pathogenic (1 of 4 stars; one submission).

Submission:

GeneDx
Classification: Pathogenic. Last evaluated: 2015-08-27. Review status: criteria provided, single submitter. Criteria: GeneDx Variant Classification (06012015). Collection method: clinical testing. Allele origin: germline. Affected: yes.
Comment: The c.8034delT deletion in the NSD1 gene causes a frameshift starting with codon Proline2679, changes this amino acid to a Glutamine residue, and replaces the last 18 amino acidswith 81 incorrect amino acids followed by a Stop codon. The frameshift is denoted asP2679QfsX82. Although this variant has not been previously reported to our knowledge, we interpret it as pathogenic.